The following is an entry in ClinVar:

ClinVar aggregate classification (germline): Pathogenic (1 of 4 stars; one submission).

Conditions:
Hereditary cancer-predisposing syndrome. Also called: Tumor predisposition; Hereditary neoplastic syndrome; Neoplastic Syndromes, Hereditary; Hereditary Cancer Syndrome. Identifiers: Orphanet 140162, MedGen C0027672, MeSH D009386, MONDO:0015356.

Submission:

Ambry Genetics
Classification: Pathogenic for Hereditary cancer-predisposing syndrome. Last evaluated: 2025-05-16. Review status: criteria provided, single submitter. Criteria: Ambry Variant Classification Scheme 2023. Collection method: clinical testing. Allele origin: germline.
Comment: The c.880_881delGC pathogenic mutation, located in coding exon 2 of the AXIN2 gene, results from a deletion of two nucleotides at nucleotide positions 880 to 881, causing a translational frameshift with a predicted alternate stop codon (p.A294Hfs*7). This variant is considered to be rare based on population cohorts in the Genome Aggregation Database (gnomAD). This alteration is expected to result in loss of function by premature protein truncation or nonsense-mediated mRNA decay. As such, this alteration is interpreted as a disease-causing mutation.

NM_004655.4(AXIN2):c.880_881del (p.Ala294fs)

Gene: AXIN2 (axin 2; minus strand). Cytogenetic location: 17q24.1.
Variant type: Deletion.
Coding change: c.880_881del on transcript NM_004655.4 (MANE Select); coding-DNA positions 880 to 881, 2 bases deleted (GC; older notation c.880_881delGC).
Protein change: p.Ala294fs; shifts the reading frame from alanine 294.
Molecular consequence: frameshift variant.
Genome position (GRCh38, 1-based): chr17:65,549,595-65,549,596, GC deleted on the plus strand (GC on the coding strand, the reverse complement: AXIN2 is on the minus strand). VCF-style (leftmost placement, unchanged base first): chr17-65549594-GGC-G. GRCh37 (hg19) VCF-style: chr17-63545712-GGC-G.
Other names: c.880_881del, p.Ala294fs (NM_001363813.1); short protein forms A294fs.
Identifiers: ClinVar variation 3981030 (VCV003981030.1).